The following is an entry in ClinVar:

NM_032119.4(ADGRV1):c.13950T>G (p.Ser4650=)

Gene: ADGRV1 (adhesion G protein-coupled receptor V1; plus strand). Cytogenetic location: 5q14.3.
Variant type: single nucleotide variant.
Coding change: c.13950T>G on transcript NM_032119.4 (MANE Select); coding-DNA position 13950, T replaced by G.
Protein change: p.Ser4650=; no amino-acid change (serine 4650 retained).
Molecular consequence: synonymous variant. On other transcripts: non-coding transcript variant (1).
Genome position (GRCh38, 1-based): chr5:90,789,758, T>G. VCF-style: chr5-90789758-T-G. GRCh37 (hg19) VCF-style: chr5-90085575-T-G.
Identifiers: ClinVar variation 4998090 (VCV004998090.1).
Genomic context (GRCh38, chr5:90,789,758, plus strand): 5'-TTAGATACAAGAGTTTGGTGACCCAAATGGAGTTGTTCAGTTTGCTCCTGAAACTTTGTC[T>G]AAGAAGACTTATTCAGAGCCTCTGGCTCTGGAAGGGCCCCTGCTCATTACCTTCTTTGTC-3'
Protein context (NP_115495.3, residues 4640-4660): GVVQFAPETL[Ser4650=]KKTYSEPLAL

ClinVar aggregate classification (germline): Likely benign (1 of 4 stars; one submission).

Conditions:
ADGRV1-related disorder. Also called: ADGRV1-related disorders; ADGRV1-related condition.

Submission:

PreventionGenetics, part of Exact Sciences
Classification: Likely benign for ADGRV1-related condition. Last evaluated: 2024-12-02. Review status: criteria provided, single submitter. Criteria: ACMG Guidelines, 2015. Collection method: clinical testing. Allele origin: germline.
Comment: This variant is classified as likely benign based on ACMG/AMP sequence variant interpretation guidelines (Richards et al. 2015 PMID: 25741868, with internal and published modifications).